The following is an entry in ClinVar:

NM_001267550.2(TTN):c.77212C>T (p.Gln25738Ter)

Genes: TTN (titin; minus strand), TTN-AS1 (TTN antisense RNA 1; plus strand). Cytogenetic location: 2q31.2.
Variant type: single nucleotide variant.
Coding change: c.77212C>T on transcript NM_001267550.2 (MANE Select); coding-DNA position 77212, C replaced by T.
Protein change: p.Gln25738Ter; replaces glutamine 25738 with a stop codon.
Molecular consequence: nonsense.
Genome position (GRCh38, 1-based): chr2:178,568,920, G>A on the plus strand (C>T on the coding strand, the complement: TTN is on the minus strand). VCF-style: chr2-178568920-G-A. GRCh37 (hg19) VCF-style: chr2-179433647-G-A.
Other names: c.72289C>T, p.Gln24097Ter (NM_001256850.1); c.50017C>T, p.Gln16673Ter (NM_003319.4); c.69508C>T, p.Gln23170Ter (NM_133378.4); c.50392C>T, p.Gln16798Ter (NM_133432.3); c.50593C>T, p.Gln16865Ter (NM_133437.4); short protein forms Q24097*, Q25738*, Q16673*, Q16798*, Q16865*, Q23170*.
Identifiers: ClinVar variation 389666 (VCV000389666.2), dbSNP rs1057523502, ClinGen allele CA16603992.
Genomic context (GRCh38, chr2:178,568,920, plus strand): 5'-TTACTGCCTGAAGAGACTTTACTCGAGCACACTCTGACCATTTCTCACTGTGTTTAGCTT[G>A]CATTTCCACAATATACTGAATGATTTTACTGCCACCATCATGTTCAGGTTTTGTCCAACT-3'

ClinVar aggregate classification (germline): Likely pathogenic (1 of 4 stars; one submission).

gnomAD v4.1: 1 of 1,613,328 alleles (0.000062%); highest among the groups gnomAD compares: Non-Finnish European, 0.000085%; no homozygotes.

Submission:

GeneDx
Classification: Likely pathogenic. Last evaluated: 2016-10-04. Review status: criteria provided, single submitter. Criteria: GeneDx Variant Classification (06012015). Collection method: clinical testing. Allele origin: germline. Affected: yes.
Comment: The Q24097X likely pathogenic variant in the TTN gene has not been reported previously as a disease-causing pathogenic variant or as a benign variant, to our knowledge. This variant is predicted to cause loss of normal protein function either due to production of an abnormal, prematurely truncated protein, or by absence of protein product due to nonsense mediated mRNA decay. Other truncating TTN variants have been reported in approximately 3% of control alleles (Herman et al., 2012). However, the Q24097X variant is located in the A-band region of titin, where the majority of truncating pathogenic variants associated with DCM have been reported (Herman et al., 2012). Furthermore, the Q24097X variant was not observed in approximately 6,200 individuals of European and African American ancestry in the NHLBI Exome Sequencing Project, indicating it is not a common benign variant in these populations.In summary, Q24097X in the TTN gene is expected to be pathogenic, as loss of function variants in this gene are strongly associated with this phenotype.